The following is an entry in ClinVar:

ClinVar aggregate classification (germline): Uncertain significance (1 of 4 stars; one submission).

Submission:

Labcorp Genetics (formerly Invitae), Labcorp
Classification: Uncertain significance. Last evaluated: 2023-09-25. Review status: criteria provided, single submitter. Criteria: Invitae Variant Classification Sherloc (09022015). Collection method: clinical testing. Allele origin: germline.
Comment: In summary, the available evidence is currently insufficient to determine the role of this variant in disease. Therefore, it has been classified as a Variant of Uncertain Significance. Experimental studies and prediction algorithms are not available or were not evaluated, and the effect of this variant on mRNA splicing is currently unknown. This variant has not been reported in the literature in individuals affected with RHO-related conditions. Information on the frequency of this variant in the gnomAD database is not available, as this variant may be reported differently in the database. This sequence change falls in intron 1 of the RHO gene. It does not directly change the encoded amino acid sequence of the RHO protein.

NM_000539.3(RHO):c.362-11_362-10delinsAA

Gene: RHO (rhodopsin; plus strand). Cytogenetic location: 3q22.1.
Variant type: Indel.
Coding change: c.362-11_362-10delinsAA on transcript NM_000539.3 (MANE Select); 11 bases into the intron before coding-DNA position 362 through 10 bases into the intron before coding-DNA position 362, CT replaced by AA.
Molecular consequence: intron variant.
Genome position (GRCh38, 1-based): chr3:129,530,865-129,530,866, CT replaced by AA. VCF-style: chr3-129530865-CT-AA. GRCh37 (hg19) VCF-style: chr3-129249708-CT-AA.
Identifiers: ClinVar variation 2763334 (VCV002763334.3), dbSNP rs2533023962, ClinGen allele CA2697556846.
Genomic context (GRCh38, chr3:129,530,865, plus strand): 5'-CCTGTCTAGGGGGGAGTGCACCCTCCTTAGGCAGTGGGGTCTGTGCTGACCGCCTGCTGA[CT>AA]GCCTTGCAGGTGAAATTGCCCTGTGGTCCTTGGTGGTCCTGGCCATCGAGCGGTACGTGG-3'